The following is an entry in ClinVar:

NM_020921.4(NIN):c.272C>T (p.Ser91Leu)

Gene: NIN (ninein; minus strand). Cytogenetic location: 14q22.1.
Variant type: single nucleotide variant.
Coding change: c.272C>T on transcript NM_020921.4 (MANE Select); coding-DNA position 272, C replaced by T.
Protein change: p.Ser91Leu; replaces serine 91 with leucine.
Molecular consequence: missense variant.
Genome position (GRCh38, 1-based): chr14:50,792,875, G>A on the plus strand (C>T on the coding strand, the complement: NIN is on the minus strand). VCF-style: chr14-50792875-G-A. GRCh37 (hg19) VCF-style: chr14-51259593-G-A.
Other names: c.272C>T, p.Ser91Leu (NM_016350.5, NM_182944.3, NM_182946.2); short protein forms S91L.
Identifiers: ClinVar variation 3047729 (VCV003047729.2), dbSNP rs534548160, ClinGen allele CA7182528.

ClinVar aggregate classification (germline): Likely benign (0 of 4 stars; one submission).

Conditions:
NIN-related disorder. Also called: NIN-related condition.

Allele frequency attached by ClinVar (database versions not stated): gnomAD 0.00002; gnomAD exomes 0.00002; ExAC 0.00003; 1000 Genomes Project 30x 0.00016; 1000 Genomes Project 0.00020.

Submission:

PreventionGenetics, part of Exact Sciences
Classification: Likely benign for NIN-related condition. Last evaluated: 2019-04-18. Review status: no assertion criteria provided. Collection method: clinical testing. Allele origin: germline.
Comment: This variant is classified as likely benign based on ACMG/AMP sequence variant interpretation guidelines (Richards et al. 2015 PMID: 25741868, with internal and published modifications).